The following is an entry in ClinVar:

ClinVar aggregate classification (germline): Likely benign (0 of 4 stars; one submission).

Conditions:
CBFB-related disorder. Also called: CBFB-related condition.

Allele frequency attached by ClinVar (database versions not stated): TOPMed 0.00004; gnomAD 0.00005; ExAC 0.00007; gnomAD exomes 0.00007; ESP Exome Variant Server 0.00023.
gnomAD v4.1: 103 of 1,468,608 alleles (0.007%); highest among the groups gnomAD compares: Non-Finnish European, 0.0093%; no homozygotes.

Submission:

PreventionGenetics, part of Exact Sciences
Classification: Likely benign for CBFB-related condition. Last evaluated: 2023-08-17. Review status: no assertion criteria provided. Collection method: clinical testing. Allele origin: germline.
Comment: This variant is classified as likely benign based on ACMG/AMP sequence variant interpretation guidelines (Richards et al. 2015 PMID: 25741868, with internal and published modifications).

NM_022845.3(CBFB):c.282+10A>G

Gene: CBFB (core-binding factor subunit beta; plus strand). Cytogenetic location: 16q22.1.
Variant type: single nucleotide variant.
Coding change: c.282+10A>G on transcript NM_022845.3 (MANE Select); 10 bases into the intron after coding-DNA position 282, A replaced by G.
Molecular consequence: intron variant.
Genome position (GRCh38, 1-based): chr16:67,036,765, A>G. VCF-style: chr16-67036765-A-G. GRCh37 (hg19) VCF-style: chr16-67070668-A-G.
Other names: c.282+10A>G (NM_001755.3, NM_001368710.1, NM_001368708.1); c.165+6952A>G (NM_001368709.1, NM_001368707.1).
Identifiers: ClinVar variation 3031632 (VCV003031632.2), dbSNP rs377384370, ClinGen allele CA8100268.